The following is an entry in ClinVar:

ClinVar aggregate classification (germline): Likely benign (1 of 4 stars; one submission).

Allele frequency attached by ClinVar (database versions not stated): gnomAD 0.00019; 1000 Genomes Project 30x 0.00125; 1000 Genomes Project 0.00160.
gnomAD v4.1: 528 of 1,614,068 alleles (0.033%); highest among the groups gnomAD compares: South Asian, 0.43%; 2 homozygotes.

Submission:

CeGaT Center for Human Genetics Tuebingen
Classification: Likely benign. Last evaluated: 2023-03-01. Review status: criteria provided, single submitter. Criteria: CeGaT Center For Human Genetics Tuebingen Variant Classification Criteria Version 2. Collection method: clinical testing. Allele origin: germline. Affected: yes. Observed: 2 variant alleles.
Comment: WWTR1: BP4, BP7

NM_015472.6(WWTR1):c.672G>A (p.Ala224=)

Gene: WWTR1 (WW domain containing transcription regulator 1; minus strand). Cytogenetic location: 3q25.1.
Variant type: single nucleotide variant.
Coding change: c.672G>A on transcript NM_015472.6 (MANE Select); coding-DNA position 672, G replaced by A.
Protein change: p.Ala224=; no amino-acid change (alanine 224 retained).
Molecular consequence: synonymous variant.
Genome position (GRCh38, 1-based): chr3:149,542,434, C>T on the plus strand (G>A on the coding strand, the complement: WWTR1 is on the minus strand). VCF-style: chr3-149542434-C-T. GRCh37 (hg19) VCF-style: chr3-149260221-C-T.
Other names: c.672G>A, p.Ala224= (NM_001168278.3, NM_001168280.3, NM_001348362.2).
Identifiers: ClinVar variation 2654220 (VCV002654220.24), dbSNP rs561882195, ClinGen allele CA2662303.